The following is an entry in ClinVar:

NM_012414.4(RAB3GAP2):c.1393C>T (p.Leu465Phe)

Gene: RAB3GAP2 (RAB3 GTPase activating non-catalytic protein subunit 2; minus strand). Cytogenetic location: 1q41.
Variant type: single nucleotide variant.
Coding change: c.1393C>T on transcript NM_012414.4 (MANE Select); coding-DNA position 1393, C replaced by T.
Protein change: p.Leu465Phe; replaces leucine 465 with phenylalanine.
Molecular consequence: missense variant.
Genome position (GRCh38, 1-based): chr1:220,191,162, G>A on the plus strand (C>T on the coding strand, the complement: RAB3GAP2 is on the minus strand). VCF-style: chr1-220191162-G-A. GRCh37 (hg19) VCF-style: chr1-220364504-G-A.
Other names: short protein forms L465F.
Identifiers: ClinVar variation 659150 (VCV000659150.9), dbSNP rs1444884870, ClinGen allele CA344645508.

ClinVar aggregate classification (germline): Uncertain significance. Review status: criteria provided, multiple submitters, no conflicts (2 of 4 stars). 3 submissions from 3 submitters: Uncertain significance (3). Last evaluated 2025-01-17.

Conditions:
Inborn genetic diseases. Identifiers: MedGen C0950123, MeSH D030342.
Warburg micro syndrome 2 (WARBM2). Also called: MICRO SYNDROME 2. Identifiers: Orphanet 2510, MedGen C3280214, MONDO:0013641, OMIM 614225.
Martsolf syndrome (MARTS). Also called: Congenital cataract with intellectual disability and hypogonadotropic hypogonadism syndrome. Identifiers: Orphanet 1387, MedGen C0796037, MONDO:0023910.

Allele frequency attached by ClinVar (database versions not stated): gnomAD exomes below 0.00001; gnomAD 0.00001; TOPMed 0.00002.
gnomAD v4.1: 5 of 1,613,916 alleles (0.00031%); highest among the groups gnomAD compares: African/African-American, 0.0013%; no homozygotes.

Submissions (3):

Ambry Genetics
Classification: Uncertain significance for Inborn genetic diseases. Last evaluated: 2025-01-17. Review status: criteria provided, single submitter. Criteria: Ambry Variant Classification Scheme 2023. Collection method: clinical testing. Allele origin: germline.

Labcorp Genetics (formerly Invitae), Labcorp
Classification: Uncertain significance for Martsolf syndrome; Warburg micro syndrome 2. Last evaluated: 2022-07-06. Review status: criteria provided, single submitter. Criteria: Invitae Variant Classification Sherloc (09022015). Collection method: clinical testing. Allele origin: germline.
Comment: This sequence change replaces leucine, which is neutral and non-polar, with phenylalanine, which is neutral and non-polar, at codon 465 of the RAB3GAP2 protein (p.Leu465Phe). This variant is present in population databases (no rsID available, gnomAD 0.0009%). This variant has not been reported in the literature in individuals affected with RAB3GAP2-related conditions. ClinVar contains an entry for this variant (Variation ID: 659150). Algorithms developed to predict the effect of missense changes on protein structure and function are either unavailable or do not agree on the potential impact of this missense change (SIFT: "Deleterious"; PolyPhen-2: "Probably Damaging"; Align-GVGD: "Class C0"). In summary, the available evidence is currently insufficient to determine the role of this variant in disease. Therefore, it has been classified as a Variant of Uncertain Significance.

GeneDx
Classification: Uncertain significance. Last evaluated: 2019-09-05. Review status: criteria provided, single submitter. Criteria: GeneDx Variant Classification Process June 2021. Collection method: clinical testing. Allele origin: germline. Affected: yes.
Comment: Not observed at a significant frequency in large population cohorts (Lek et al., 2016); In silico analysis, which includes protein predictors and evolutionary conservation, supports a deleterious effect; Has not been previously published as pathogenic or benign to our knowledge